The following is an entry in ClinVar:

NM_024408.4(NOTCH2):c.5111G>A (p.Arg1704His)

Gene: NOTCH2 (notch receptor 2; minus strand). Cytogenetic location: 1p12.
Variant type: single nucleotide variant.
Coding change: c.5111G>A on transcript NM_024408.4 (MANE Select); coding-DNA position 5111, G replaced by A.
Protein change: p.Arg1704His; replaces arginine 1704 with histidine.
Molecular consequence: missense variant.
Genome position (GRCh38, 1-based): chr1:119,922,338, C>T on the plus strand (G>A on the coding strand, the complement: NOTCH2 is on the minus strand). VCF-style: chr1-119922338-C-T. GRCh37 (hg19) VCF-style: chr1-120464961-C-T.
Other names: short protein forms R1704H.
Identifiers: ClinVar variation 3773924 (VCV003773924.2).

ClinVar aggregate classification (germline): Uncertain significance (1 of 4 stars; one submission).

gnomAD v4.1: 13 of 1,614,140 alleles (0.00081%); highest among the groups gnomAD compares: South Asian, 0.0011%; no homozygotes.

Submission:

GeneDx
Classification: Uncertain significance. Last evaluated: 2025-10-23. Review status: criteria provided, single submitter. Criteria: GeneDx Variant Classification Process June 2021. Collection method: clinical testing. Allele origin: germline.
Comment: Identified in a patient with congenital hyperinsulinism of infancy who also harbored variants in other genes; familial segregation information was not provided (PMID: 23869231); In silico analysis supports that this missense variant has a deleterious effect on protein structure/function; This variant is associated with the following publications: (PMID: 23869231)